The following is an entry in ClinVar:

NM_000182.5(HADHA):c.1153C>T (p.Leu385=)

Genes: GAREM2 (GRB2 associated regulator of MAPK1 subtype 2; plus strand), HADHA (hydroxyacyl-CoA dehydrogenase trifunctional multienzyme complex subunit alpha; minus strand). Cytogenetic location: 2p23.3.
Variant type: single nucleotide variant.
Coding change: c.1153C>T on transcript NM_000182.5 (MANE Select); coding-DNA position 1153, C replaced by T.
Protein change: p.Leu385=; no amino-acid change (leucine 385 retained).
Molecular consequence: synonymous variant.
Genome position (GRCh38, 1-based): chr2:26,204,129, G>A on the plus strand (C>T on the coding strand, the complement: HADHA is on the minus strand). VCF-style: chr2-26204129-G-A. GRCh37 (hg19) VCF-style: chr2-26426998-G-A.
Identifiers: ClinVar variation 514281 (VCV000514281.17), dbSNP rs139485335, ClinGen allele CA1559655.

ClinVar aggregate classification (germline): Likely benign. Review status: criteria provided, multiple submitters, no conflicts (2 of 4 stars). 5 submissions from 5 submitters: Likely benign (4). 1 of the submissions does not count toward it. Last evaluated 2026-01-06.

Conditions:
Mitochondrial trifunctional protein deficiency. Identifiers: Orphanet 746, MedGen C1969443, MONDO:0012172.
Long chain 3-hydroxyacyl-CoA dehydrogenase deficiency. Also called: Deficiency of long-chain 3-hydroxyacyl-coenzyme A dehydrogenase; LCHAD Deficiency. Identifiers: Orphanet 5, MedGen C3711645, MONDO:0012173, OMIM 609016.
HADHA-related disorder. Also called: HADHA-related disorders; HADHA-related condition.

Allele frequency attached by ClinVar (database versions not stated): 1000 Genomes Project 30x 0.00016; 1000 Genomes Project 0.00020; gnomAD 0.00036 and 0.00038; TOPMed 0.00043; ESP Exome Variant Server 0.00054; gnomAD exomes 0.00005 and 0.00012; ExAC 0.00013.
gnomAD v4.1: 128 of 1,613,594 alleles (0.0079%); highest among the groups gnomAD compares: African/African-American, 0.15%; no homozygotes.

Submissions (5):

Labcorp Genetics (formerly Invitae), Labcorp
Classification: Likely benign for Mitochondrial trifunctional protein deficiency; Long chain 3-hydroxyacyl-CoA dehydrogenase deficiency. Last evaluated: 2026-01-06. Review status: criteria provided, single submitter. Criteria: Invitae Variant Classification Sherloc (09022015). Collection method: clinical testing. Allele origin: germline.

ARUP Laboratories, Molecular Genetics and Genomics, ARUP Laboratories
Classification: Likely benign. Last evaluated: 2023-10-16. Review status: criteria provided, single submitter. Criteria: ARUP Molecular Germline Variant Investigation Process 2024. Collection method: clinical testing. Allele origin: germline.

Blueprint Genetics
Classification: Likely benign. Last evaluated: 2022-08-21. Review status: criteria provided, single submitter. Criteria: ACMG Guidelines, 2015. Collection method: clinical testing. Allele origin: germline.

GeneDx
Classification: Likely benign. Last evaluated: 2020-12-16. Review status: criteria provided, single submitter. Criteria: GeneDx Variant Classification Process June 2021. Collection method: clinical testing. Allele origin: germline. Affected: yes.

PreventionGenetics, part of Exact Sciences
Classification: Likely benign for HADHA-related condition. Last evaluated: 2019-04-04. Review status: no assertion criteria provided. Collection method: clinical testing. Allele origin: germline. Not counted in ClinVar's aggregate classification.
Comment: This variant is classified as likely benign based on ACMG/AMP sequence variant interpretation guidelines (Richards et al. 2015 PMID: 25741868, with internal and published modifications).